The following is an entry in ClinVar:

NM_020822.3(KCNT1):c.255-16CT[2]

Gene: KCNT1 (potassium sodium-activated channel subfamily T member 1; plus strand). Cytogenetic location: 9q34.3.
Variant type: Microsatellite.
Coding change: c.255-16CT[2] on transcript NM_020822.3 (MANE Select); two copies in a row of the 2-base unit CT starting at c.255-16; the reference has three copies in a row; one copy, 2 bases deleted.
Molecular consequence: intron variant.
Genome position (GRCh38, 1-based): chr9:135,750,086-135,750,087, CT deleted; deleting any 2 consecutive bases within chr9:135,750,082-135,750,087 gives the same sequence; the position shown is the placement nearest the transcript's 3' end. VCF-style (leftmost placement, unchanged base first): chr9-135750081-CCT-C. GRCh37 (hg19) VCF-style: chr9-138641927-CCT-C.
Other names: c.111-16CT[2] (NM_001272003.2); c.255-12_255-11delCT (NM_020822.2).
Identifiers: ClinVar variation 517698 (VCV000517698.4), dbSNP rs760287830, ClinGen allele CA5326347.

ClinVar aggregate classification (germline): Likely benign. Review status: criteria provided, multiple submitters, no conflicts (2 of 4 stars). 2 submissions from 2 submitters: Likely benign (2). Last evaluated 2024-07-16.

Conditions:
Autosomal dominant nocturnal frontal lobe epilepsy 5. Also called: Epilepsy, nocturnal frontal lobe, 5; CILIARY DYSKINESIA, PRIMARY, 28, WITHOUT SITUS INVERSUS; CILIARY DYSKINESIA, PRIMARY, 28, WITH SITUS INVERSUS; KCNT1-Related Epilepsy. Identifiers: Orphanet 98784, MedGen C3554306, MONDO:0014002, OMIM 615005.
Developmental and epileptic encephalopathy, 14 (DEE14). Also called: Early infantile epileptic encephalopathy 14. Identifiers: Orphanet 293181, MedGen C3554195, MONDO:0013989, OMIM 614959.

Submissions (2):

Labcorp Genetics (formerly Invitae), Labcorp
Classification: Likely benign for Autosomal dominant nocturnal frontal lobe epilepsy 5; Developmental and epileptic encephalopathy, 14. Last evaluated: 2024-07-16. Review status: criteria provided, single submitter. Criteria: Invitae Variant Classification Sherloc (09022015). Collection method: clinical testing. Allele origin: germline.

GeneDx
Classification: Likely benign. Last evaluated: 2017-01-23. Review status: criteria provided, single submitter. Criteria: GeneDx Variant Classification (06012015). Collection method: clinical testing. Allele origin: germline. Affected: yes.
Comment: This variant is considered likely benign or benign based on one or more of the following criteria: it is a conservative change, it occurs at a poorly conserved position in the protein, it is predicted to be benign by multiple in silico algorithms, and/or has population frequency not consistent with disease.